The following is an entry in ClinVar:

ClinVar aggregate classification (germline): Pathogenic/Likely pathogenic. Review status: criteria provided, multiple submitters, no conflicts (2 of 4 stars). 8 submissions from 8 submitters: Pathogenic (5); Likely pathogenic (2). 1 of the submissions does not count toward it. Last evaluated 2025-12-05.

Conditions:
Inborn genetic diseases. Identifiers: MedGen C0950123, MeSH D030342.
Leukoencephalopathy with vanishing white matter 5 (VWM5). Also called: Leukoencephalopathy with vanishing white matter 5, with or without ovarian failure; EIF2B5-Related Childhood Ataxia with Central Nervous System Hypomyelination/Vanishing White Matter. Identifiers: MedGen C5779973, MONDO:0957873, OMIM 620315.
Vanishing white matter disease. Also called: CACH syndrome; Childhood ataxia with diffuse central nervous system hypomyelination; Leukoencephalopathy with vanishing white matter; CACH/VWM syndrome; Cree leukoencehalopathy. Identifiers: Orphanet 135, Orphanet 99853, MedGen C1858991, MONDO:0800448.

Allele frequency attached by ClinVar (database versions not stated): gnomAD 0.00005; TOPMed 0.00005.
gnomAD v4.1: 91 of 1,614,110 alleles (0.0056%); highest among the groups gnomAD compares: Non-Finnish European, 0.0075%; no homozygotes.

Submissions (8):

Ambry Genetics
Classification: Pathogenic for Inborn genetic diseases. Last evaluated: 2025-12-05. Review status: criteria provided, single submitter. Criteria: Ambry Variant Classification Scheme 2023. Collection method: clinical testing. Allele origin: germline.
Comment: The c.1015C>T (p.R339W) alteration is located in exon 7 (coding exon 7) of the EIF2B5 gene. This alteration results from a C to T substitution at nucleotide position 1015, causing the arginine (R) at amino acid position 339 to be replaced by a tryptophan (W). Based on data from gnomAD, the T allele has an overall frequency of 0.003% (7/282832) total alleles studied. The highest observed frequency was 0.005% (6/129140) of European (non-Finnish) alleles. This variant has been identified in the homozygous state and/or in conjunction with other EIF2B5 variant(s) in individual(s) with features consistent with EIF2B5-related leukoencephalopathy with vanishing white matter; in at least one instance, the variants were identified in trans (Leegwater, 2001; Fogli, 2004; van Diemen, 2017). Other variant(s) at the same codon, c.1016G>A (p.R339Q), c.1016G>C (p.R339P), have been identified in individual(s) with features consistent with EIF2B5-related leukoencephalopathy with vanishing white matter (van der Knaap, 1993). This amino acid position is well conserved in available vertebrate species. This alteration is predicted to be deleterious by in silico analysis. Based on the available evidence, this alteration is classified as pathogenic.

GeneDx
Classification: Likely pathogenic. Last evaluated: 2025-03-21. Review status: criteria provided, single submitter. Criteria: GeneDx Variant Classification Process June 2021. Collection method: clinical testing. Allele origin: germline.
Comment: Observed with a second variant in the EIF2B5 gene in multiple unrelated individuals with leukoencephalopathy in the published literature (PMID: 28939701, 33432707); In silico analysis supports that this missense variant has a deleterious effect on protein structure/function; This variant is associated with the following publications: (PMID: 11704758, 33432707, 28939701)

Natera, Inc.
Classification: Pathogenic for Leukoencephalopathy with vanishing white matter. Last evaluated: 2025-01-19. Review status: criteria provided, single submitter. Criteria: Natera Variant Classification Schema (03/2026). Collection method: clinical testing. Allele origin: germline.
Comment: The c.1015C>T variant in EIF2B5 is a missense variant predicted to cause substitution of arginine to tryptophan at amino acid 339. This variant is rare in the general population with a frequency below the threshold expected for the associated phenotype(s). This variant has been observed in one or more individuals affected with the associated recessive disease, as either homozygous or compound heterozygous with a second variant (PMID: 33432707, 28939701, 27159321, 33547378). A different variant at the same position has been determined to be Pathogenic or Likely Pathogenic. Computational prediction algorithms indicate this variant is likely to affect gene or protein function. Given the available evidence, this variant is classified as Pathogenic.

Labcorp Genetics (formerly Invitae), Labcorp
Classification: Pathogenic. Last evaluated: 2023-12-09. Review status: criteria provided, single submitter. Criteria: Invitae Variant Classification Sherloc (09022015). Collection method: clinical testing. Allele origin: germline.
Comment: This sequence change replaces arginine, which is basic and polar, with tryptophan, which is neutral and slightly polar, at codon 339 of the EIF2B5 protein (p.Arg339Trp). This variant is present in population databases (rs113994068, gnomAD 0.006%). This missense change has been observed in individuals with leukoencephalopathy with vanishing white matter (PMID: 11704758, 15136673, 18263758, 20958979). ClinVar contains an entry for this variant (Variation ID: 666195). Advanced modeling of protein sequence and biophysical properties (such as structural, functional, and spatial information, amino acid conservation, physicochemical variation, residue mobility, and thermodynamic stability) performed at Invitae indicates that this missense variant is expected to disrupt EIF2B5 protein function with a positive predictive value of 80%. This variant disrupts the p.Arg339 amino acid residue in EIF2B5. Other variant(s) that disrupt this residue have been observed in individuals with EIF2B5-related conditions (PMID: 11704758, 15136673, 18263758, 20958979), which suggests that this may be a clinically significant amino acid residue. For these reasons, this variant has been classified as Pathogenic.

Revvity Omics, Revvity
Classification: Pathogenic for Leukoencephalopathy with vanishing white matter 5. Last evaluated: 2022-08-12. Review status: criteria provided, single submitter. Criteria: ACMG Guidelines, 2015. Collection method: clinical testing. Allele origin: germline.

Fulgent Genetics
Classification: Pathogenic for Leukoencephalopathy with vanishing white matter 1. Last evaluated: 2021-10-29. Review status: criteria provided, single submitter. Criteria: ACMG Guidelines, 2015. Collection method: clinical testing. Allele origin: unknown.

Juno Genomics, Hangzhou Juno Genomics, Inc
Classification: Likely pathogenic for Leukoencephalopathy with vanishing white matter 5. Review status: criteria provided, single submitter. Criteria: ACMG Guidelines, 2015. Collection method: clinical testing. Allele origin: germline.
Comment: Absent from controls (or at extremely low frequency if recessive) in Genome Aggregation Database.;Multiple lines of computational evidence support a deleterious effect on the gene or gene product.;For recessive disorders, detected in trans with a pathogenic variant.;Patient's phenotype or family history is highly specific for a disease with a single genetic etiology.

GeneReviews
No classification provided. Condition: Vanishing white matter disease. Review status: no classification provided. Collection method: literature only. Allele origin: germline. Not counted in ClinVar's aggregate classification.
Comment: associated w/severe disease

Literature cited by the submitters: PubMed 11704758 (cited by Ambry Genetics and Labcorp Genetics (formerly Invitae), Labcorp); PubMed 15136673 (cited by Ambry Genetics and Labcorp Genetics (formerly Invitae), Labcorp); PubMed 20301435 (cited by Ambry Genetics and GeneReviews); PubMed 28939701 (cited by Ambry Genetics and Natera, Inc.); PubMed 33432707 (cited by Natera, Inc.); PubMed 27159321 (cited by Natera, Inc.); PubMed 33547378 (cited by Natera, Inc.); PubMed 18263758 (cited by Labcorp Genetics (formerly Invitae), Labcorp); PubMed 20958979 (cited by Labcorp Genetics (formerly Invitae), Labcorp); PubMed 20975056 (cited by GeneReviews).

NM_003907.3(EIF2B5):c.1015C>T (p.Arg339Trp)

Gene: EIF2B5 (eukaryotic translation initiation factor 2B subunit epsilon; plus strand). Cytogenetic location: 3q27.1.
Variant type: single nucleotide variant.
Coding change: c.1015C>T on transcript NM_003907.3 (MANE Select); coding-DNA position 1015, C replaced by T.
Protein change: p.Arg339Trp; replaces arginine 339 with tryptophan.
Molecular consequence: missense variant.
Genome position (GRCh38, 1-based): chr3:184,140,589, C>T. VCF-style: chr3-184140589-C-T. GRCh37 (hg19) VCF-style: chr3-183858377-C-T.
Other names: short protein forms R339W.
Identifiers: ClinVar variation 666195 (VCV000666195.26), dbSNP rs113994068, ClinGen allele CA2726569.